The following is an entry in ClinVar:

ClinVar aggregate classification (germline): Pathogenic (1 of 4 stars; one submission).

Submission:

Labcorp Genetics (formerly Invitae), Labcorp
Classification: Pathogenic. Last evaluated: 2023-03-19. Review status: criteria provided, single submitter. Criteria: Invitae Variant Classification Sherloc (09022015). Collection method: clinical testing. Allele origin: germline.
Comment: This variant is not present in population databases (gnomAD no frequency). This sequence change creates a premature translational stop signal (p.Ser65*) in the EDNRB gene. It is expected to result in an absent or disrupted protein product. Loss-of-function variants in EDNRB are known to be pathogenic (PMID: 8001159, 10528251, 20127975, 30394532). This variant has not been reported in the literature in individuals affected with EDNRB-related conditions. For these reasons, this variant has been classified as Pathogenic.

Literature cited by the submitters: PubMed 8001159; PubMed 10528251; PubMed 20127975; PubMed 30394532.

NM_001122659.3(EDNRB):c.194C>A (p.Ser65Ter)

Gene: EDNRB (endothelin receptor type B; minus strand). Cytogenetic location: 13q22.3.
Variant type: single nucleotide variant.
Coding change: c.194C>A on transcript NM_001122659.3 (MANE Select); coding-DNA position 194, C replaced by A.
Protein change: p.Ser65Ter; replaces serine 65 with a stop codon.
Molecular consequence: nonsense.
Genome position (GRCh38, 1-based): chr13:77,918,380, G>T on the plus strand (C>A on the coding strand, the complement: EDNRB is on the minus strand). VCF-style: chr13-77918380-G-T. GRCh37 (hg19) VCF-style: chr13-78492515-G-T.
Other names: c.194C>A, p.Ser65Ter (NM_000115.5, NM_003991.4); c.464C>A, p.Ser155Ter (NM_001201397.2); short protein forms S155*, S65*.
Identifiers: ClinVar variation 2847500 (VCV002847500.3), dbSNP rs2501609661, ClinGen allele CA388452849.